The following is an entry in ClinVar:

ClinVar aggregate classification (germline): Uncertain significance (1 of 4 stars; one submission).

Conditions:
Primary ciliary dyskinesia. Also called: Ciliary dyskinesia. Identifiers: Orphanet 244, MedGen C0008780, MONDO:0016575, HP:0012265.

Submission:

Ambry Genetics
Classification: Uncertain significance for Primary ciliary dyskinesia. Last evaluated: 2023-02-17. Review status: criteria provided, single submitter. Criteria: Ambry Variant Classification Scheme 2023. Collection method: clinical testing. Allele origin: germline.
Comment: The c.1501_1503delATTinsGTC variant, located in coding exon 11 of the DNAH5 gene, results from an in-frame deletion of ATT and insertion of GTC at nucleotide positions 1501 to 1503. This results in the substitution of the isoleucine residue for a valine residue at codon 501, an amino acid with highly similar properties. This amino acid position is highly conserved in available vertebrate species. Since supporting evidence is limited at this time, the clinical significance of this alteration remains unclear.

NM_001369.3(DNAH5):c.1501_1503delinsGTC (p.Ile501Val)

Gene: DNAH5 (dynein axonemal heavy chain 5; minus strand). Cytogenetic location: 5p15.2.
Variant type: Indel.
Coding change: c.1501_1503delinsGTC on transcript NM_001369.3 (MANE Select); coding-DNA positions 1501 to 1503, ATT replaced by GTC.
Protein change: p.Ile501Val; replaces isoleucine 501 with valine.
Molecular consequence: missense variant.
Genome position (GRCh38, 1-based): chr5:13,913,776-13,913,778, AAT replaced by GAC on the plus strand (ATT replaced by GTC on the coding strand, the reverse complement: DNAH5 is on the minus strand). VCF-style: chr5-13913776-AAT-GAC. GRCh37 (hg19) VCF-style: chr5-13913885-AAT-GAC.
Other names: short protein forms I501V.
Identifiers: ClinVar variation 454751 (VCV000454751.3), dbSNP rs1554101056, ClinGen allele CA658657432.